The following is an entry in ClinVar:

NM_001206744.2(TPO):c.1339-1G>T

Gene: TPO (thyroid peroxidase; plus strand). Cytogenetic location: 2p25.3.
Variant type: single nucleotide variant.
Coding change: c.1339-1G>T on transcript NM_001206744.2 (MANE Select); the canonical splice acceptor site of the intron before coding-DNA position 1339, G replaced by T.
Molecular consequence: splice acceptor variant.
Genome position (GRCh38, 1-based): chr2:1,484,595, G>T. VCF-style: chr2-1484595-G-T. GRCh37 (hg19) VCF-style: chr2-1488367-G-T.
Other names: c.1339-1G>T (NM_000547.6, NM_175719.4, NM_001206745.2 and 1 more transcripts); c.820-1G>T (NM_175722.3).
Identifiers: ClinVar variation 3697242 (VCV003697242.2).

ClinVar aggregate classification (germline): Likely pathogenic (1 of 4 stars; one submission).

Submission:

Labcorp Genetics (formerly Invitae), Labcorp
Classification: Likely pathogenic. Last evaluated: 2024-02-01. Review status: criteria provided, single submitter. Criteria: Invitae Variant Classification Sherloc (09022015). Collection method: clinical testing. Allele origin: germline.
Comment: This sequence change affects an acceptor splice site in intron 8 of the TPO gene. It is expected to disrupt RNA splicing. Variants that disrupt the donor or acceptor splice site typically lead to a loss of protein function (PMID: 16199547), and loss-of-function variants in TPO are known to be pathogenic (PMID: 11061528, 23236987, 25564141). This variant is not present in population databases (gnomAD no frequency). This variant has not been reported in the literature in individuals affected with TPO-related conditions. Algorithms developed to predict the effect of sequence changes on RNA splicing suggest that this variant may disrupt the consensus splice site. In summary, the currently available evidence indicates that the variant is pathogenic, but additional data are needed to prove that conclusively. Therefore, this variant has been classified as Likely Pathogenic.

Literature cited by the submitters: PubMed 16199547; PubMed 11061528; PubMed 23236987; PubMed 25564141.